The following is an entry in ClinVar:

ClinVar aggregate classification (germline): Conflicting classifications of pathogenicity. Review status: criteria provided, conflicting classifications (1 of 4 stars). 12 submissions from 12 submitters: Uncertain significance (3); Benign (3); Likely benign (2). 4 of the submissions do not count toward it. Last evaluated 2026-01-28.

Conditions:
NPC1-related disorder. Also called: NPC1-related condition.
Niemann-Pick disease, type C1. Also called: NIEMANN-PICK DISEASE, VARIANT TYPE C1; NEUROVISCERAL STORAGE DISEASE WITH VERTICAL SUPRANUCLEAR OPHTHALMOPLEGIA; NIEMANN-PICK DISEASE WITH CHOLESTEROL ESTERIFICATION BLOCK; NIEMANN-PICK DISEASE WITHOUT SPHINGOMYELINASE DEFICIENCY; NIEMANN-PICK DISEASE, CHRONIC NEURONOPATHIC FORM. Identifiers: Orphanet 646, MedGen C3179455, MONDO:0009757, OMIM 257220.

Allele frequency attached by ClinVar (database versions not stated): TOPMed 0.00257; ESP Exome Variant Server 0.00261; 1000 Genomes Project 30x 0.00344; 1000 Genomes Project 0.00300; gnomAD 0.00268.
gnomAD v4.1: 749 of 1,614,092 alleles (0.046%); highest among the groups gnomAD compares: African/African-American, 0.92%; 4 homozygotes.

Submissions (12):

Labcorp Genetics (formerly Invitae), Labcorp
Classification: Benign for Niemann-Pick disease, type C1. Last evaluated: 2026-01-28. Review status: criteria provided, single submitter. Criteria: Invitae Variant Classification Sherloc (09022015). Collection method: clinical testing. Allele origin: germline.

CeGaT Center for Human Genetics Tuebingen
Classification: Likely benign. Last evaluated: 2026-01-01. Review status: criteria provided, single submitter. Criteria: CeGaT Center For Human Genetics Tuebingen Variant Classification Criteria Version 2. Collection method: clinical testing. Allele origin: germline. Affected: yes. Observed: 3 variant alleles.
Comment: NPC1: BP4

GeneDx
Classification: Uncertain significance. Last evaluated: 2025-12-10. Review status: criteria provided, single submitter. Criteria: GeneDx Variant Classification Process June 2021. Collection method: clinical testing. Allele origin: germline. Affected: yes.
Comment: In silico analysis supports that this missense variant has a deleterious effect on protein structure/function; This variant is associated with the following publications: (PMID: 25764212, 25989649, 35892469)

Mayo Clinic Laboratories, Mayo Clinic
Classification: Uncertain significance. Last evaluated: 2024-09-30. Review status: criteria provided, single submitter. Criteria: ACMG Guidelines, 2015. Collection method: clinical testing. Allele origin: germline. Observed: 2 variant alleles.
Comment: BA1

Women's Health and Genetics/Laboratory Corporation of America, LabCorp
Classification: Likely benign. Last evaluated: 2024-02-09. Review status: criteria provided, single submitter. Criteria: LabCorp Variant Classification Summary - May 2015. Collection method: clinical testing. Allele origin: germline.
Comment: Variant summary: NPC1 c.3343G>T (p.Val1115Phe) results in a non-conservative amino acid change in the encoded protein sequence. Three of five in-silico tools predict a benign effect of the variant on protein function. The variant allele was found at a frequency of 0.00069 in 251462 control chromosomes, predominantly at a frequency of 0.0099 within the African or African-American subpopulation in the gnomAD database. The observed variant frequency within African or African-American control individuals in the gnomAD database is approximately 3.6 fold of the estimated maximal expected allele frequency for a pathogenic variant in NPC1 causing Niemann-Pick Disease Type C phenotype (0.0027), strongly suggesting that the variant is a benign polymorphism found primarily in populations of African or African-American origin. c.3343G>T has been reported in the literature in individuals affected with Niemann-Pick Disease Type C without strong evidence of causality (Rodriguez_2015, Kubaski_2022). These reports do not provide unequivocal conclusions about association of the variant with Niemann-Pick Disease Type C. To our knowledge, no experimental evidence demonstrating an impact on protein function has been reported. The following publications have been ascertained in the context of this evaluation (PMID: 25989649, 35892469). ClinVar contains an entry for this variant (Variation ID: 92712). Based on the evidence outlined above, the variant was classified as likely benign.

Revvity Omics, Revvity
Classification: Uncertain significance for Niemann-Pick disease, type C1. Last evaluated: 2021-03-31. Review status: criteria provided, single submitter. Criteria: ACMG Guidelines, 2015. Collection method: clinical testing. Allele origin: germline.

Illumina Laboratory Services, Illumina
Classification: Benign for Niemann-Pick disease type C1. Last evaluated: 2017-10-17. Review status: criteria provided, single submitter. Criteria: ICSL Variant Classification Criteria 13 December 2019. Collection method: clinical testing. Allele origin: germline.
Comment: This variant was observed as part of a predisposition screen in an ostensibly healthy population. A literature search was performed for the gene, cDNA change, and amino acid change (where applicable). Publications were found based on this search. The evidence from the literature, in combination with allele frequency data from public databases where available, was sufficient to rule this variant out of causing disease. Therefore, this variant is classified as benign.

Eurofins Ntd Llc (ga)
Classification: Benign. Last evaluated: 2013-02-22. Review status: criteria provided, single submitter. Criteria: EGL Classification Definitions 2015. Collection method: clinical testing. Allele origin: germline. Observed: 1 variant allele, 1 heterozygote.

PreventionGenetics, part of Exact Sciences
Classification: Likely benign for NPC1-related condition. Last evaluated: 2021-04-10. Review status: no assertion criteria provided. Collection method: clinical testing. Allele origin: germline. Not counted in ClinVar's aggregate classification.
Comment: This variant is classified as likely benign based on ACMG/AMP sequence variant interpretation guidelines (Richards et al. 2015 PMID: 25741868, with internal and published modifications).

Counsyl
Classification: Uncertain significance for Niemann-Pick disease, type C1. Last evaluated: 2018-05-16. Review status: no assertion criteria provided. Collection method: clinical testing. Allele origin: unknown. Not counted in ClinVar's aggregate classification.

Clinical Genetics DNA and cytogenetics Diagnostics Lab, Erasmus MC, Erasmus Medical Center
Classification: Uncertain significance. Review status: no assertion criteria provided. Collection method: clinical testing. Allele origin: germline. Affected: yes. Study: VKGL Data-share Consensus. Not counted in ClinVar's aggregate classification.

Genome Diagnostics Laboratory, Amsterdam University Medical Center
Classification: Uncertain significance. Review status: no assertion criteria provided. Collection method: clinical testing. Allele origin: germline. Affected: yes. Study: VKGL Data-share Consensus. Not counted in ClinVar's aggregate classification.

Literature cited by the submitters: PubMed 25989649 (cited by 4 submitters); PubMed 35892469 (cited by Mayo Clinic Laboratories, Mayo Clinic and Women's Health and Genetics/Laboratory Corporation of America, LabCorp).

NM_000271.5(NPC1):c.3343G>T (p.Val1115Phe)

Gene: NPC1 (NPC intracellular cholesterol transporter 1; minus strand). Cytogenetic location: 18q11.2.
Variant type: single nucleotide variant.
Coding change: c.3343G>T on transcript NM_000271.5 (MANE Select); coding-DNA position 3343, G replaced by T.
Protein change: p.Val1115Phe; replaces valine 1115 with phenylalanine.
Molecular consequence: missense variant.
Genome position (GRCh38, 1-based): chr18:23,535,603, C>A on the plus strand (G>T on the coding strand, the complement: NPC1 is on the minus strand). VCF-style: chr18-23535603-C-A. GRCh37 (hg19) VCF-style: chr18-21115567-C-A.
Other names: short protein forms V1115F.
Identifiers: ClinVar variation 92712 (VCV000092712.52), dbSNP rs34226296, ClinGen allele CA145964.